The following is an entry in ClinVar:

NM_000443.4(ABCB4):c.371G>T (p.Gly124Val)

Gene: ABCB4 (ATP binding cassette subfamily B member 4; minus strand). Cytogenetic location: 7q21.12.
Variant type: single nucleotide variant.
Coding change: c.371G>T on transcript NM_000443.4 (MANE Select); coding-DNA position 371, G replaced by T.
Protein change: p.Gly124Val; replaces glycine 124 with valine.
Molecular consequence: missense variant.
Genome position (GRCh38, 1-based): chr7:87,453,109, C>A on the plus strand (G>T on the coding strand, the complement: ABCB4 is on the minus strand). VCF-style: chr7-87453109-C-A. GRCh37 (hg19) VCF-style: chr7-87082425-C-A.
Other names: c.371G>T, p.Gly124Val (NM_018849.3, NM_018850.3); short protein forms G124V.
Identifiers: ClinVar variation 4995548 (VCV004995548.1).
Genomic context (GRCh38, chr7:87,453,109, plus strand): 5'-CGACCAGCTGCCAAAGTCCAAAATGAAACTTGTATATAGGCAGCAACAAGAACTCCAGCA[C>A]CCAATCCTGAGTAGTAATATGCATATCTGAAAAAAAAGAGAAAGGCTCTATTAAATACCT-3'
Protein context (NP_000434.1, residues 114-134): TRYAYYYSGL[Gly124Val]AGVLVAAYIQ

ClinVar aggregate classification (germline): Uncertain significance (1 of 4 stars; one submission).

Conditions:
ABCB4-related disorder. Also called: ABCB4-related disorders; ABCB4-related condition.

Submission:

PreventionGenetics, part of Exact Sciences
Classification: Uncertain significance for ABCB4-related condition. Last evaluated: 2026-01-29. Review status: criteria provided, single submitter. Criteria: ACMG Guidelines, 2015. Collection method: clinical testing. Allele origin: germline.
Comment: The ABCB4 c.371G>T variant is predicted to result in the amino acid substitution p.Gly124Val. To our knowledge, this variant has not been reported in the literature or in a large population database (gnomAD), indicating this variant is rare. Of note, other variants impacting the same amino acid (p.Gly124Ser and p.Gly124Arg) have been documented in individuals with ABCB4-related disease (Poupon et al. 2013. PubMed ID: 23533021; Case 7 in Mehta et al. 2022. PubMed ID: 35535061; respectively). At this time, the clinical significance of the c.371G>T (p.Gly124Val) variant is uncertain due to the absence of conclusive functional and genetic evidence.